The following is an entry in ClinVar:

NM_017739.4(POMGNT1):c.1961C>T (p.Pro654Leu)

Genes: POMGNT1 (protein O-linked mannose N-acetylglucosaminyltransferase 1 (beta 1,2-); minus strand), TSPAN1 (tetraspanin 1; plus strand). Cytogenetic location: 1p34.1.
Variant type: single nucleotide variant.
Coding change: c.1961C>T on transcript NM_017739.4 (MANE Select); coding-DNA position 1961, C replaced by T.
Protein change: p.Pro654Leu; replaces proline 654 with leucine.
Molecular consequence: missense variant. On other transcripts: synonymous variant (1), intron variant (1).
Genome position (GRCh38, 1-based): chr1:46,189,292, G>A on the plus strand (C>T on the coding strand, the complement: POMGNT1 is on the minus strand). VCF-style: chr1-46189292-G-A. GRCh37 (hg19) VCF-style: chr1-46654964-G-A.
Other names: c.1935C>T, p.Pro645= (NM_001243766.2); c.1895C>T, p.Pro632Leu (NM_001290129.3); c.1532C>T, p.Pro511Leu (NM_001290130.2); c.1895+166C>T (NM_001410783.1); short protein forms P511L, P632L, P654L.
Identifiers: ClinVar variation 1318491 (VCV001318491.3), dbSNP rs753937962, ClinGen allele CA833180.

ClinVar aggregate classification (germline): Uncertain significance. Review status: criteria provided, multiple submitters, no conflicts (2 of 4 stars). 2 submissions from 2 submitters: Uncertain significance (2). Last evaluated 2023-11-17.

Allele frequency attached by ClinVar (database versions not stated): gnomAD 0.00001; gnomAD exomes 0.00001 and 0.00004; ExAC 0.00003.
gnomAD v4.1: 22 of 1,613,570 alleles (0.0014%); highest among the groups gnomAD compares: South Asian, 0.022%; no homozygotes.

Submissions (2):

Blueprint Genetics
Classification: Uncertain significance. Last evaluated: 2023-11-17. Review status: criteria provided, single submitter. Criteria: ACMG Guidelines, 2015. Collection method: clinical testing. Allele origin: germline.

GeneDx
Classification: Uncertain significance. Last evaluated: 2019-05-29. Review status: criteria provided, single submitter. Criteria: GeneDx Variant Classification Process June 2021. Collection method: clinical testing. Allele origin: germline. Affected: yes.
Comment: The majority of missense variants in this gene are considered pathogenic [(Stenson et al., 2014; other references)]; In silico analysis, which includes protein predictors and evolutionary conservation, supports that this variant does not alter protein structure/function; Has not been previously published as pathogenic or benign to our knowledge